The following is an entry in ClinVar:

ClinVar aggregate classification (germline): Uncertain significance. Review status: criteria provided, multiple submitters, no conflicts (2 of 4 stars). 2 submissions from 2 submitters: Uncertain significance (2). Last evaluated 2026-09-14.

Conditions:
Infantile-onset X-linked spinal muscular atrophy. Also called: AMC, DISTAL, X-LINKED; ARTHROGRYPOSIS, X-LINKED, TYPE I; Spinal Muscular Atrophy, X-Linked Infantile; Spinal muscular atrophy, X-linked 2; SPINAL MUSCULAR ATROPHY, X-LINKED LETHAL INFANTILE. Identifiers: Orphanet 1145, MedGen C1844934, MONDO:0010532, OMIM 301830.
UBA1-related disorder. Also called: UBA1-related condition.

Allele frequency attached by ClinVar (database versions not stated): gnomAD 0.00001; gnomAD exomes 0.00002.
gnomAD v4.1: 25 of 1,207,302 alleles (0.0021%); highest among the groups gnomAD compares: South Asian, 0.0035%; no homozygotes.

Submissions (5):

PreventionGenetics, part of Exact Sciences
Classification: Uncertain significance for UBA1-related condition. Last evaluated: 2026-09-14. Review status: criteria provided, single submitter. Criteria: ACMG Guidelines, 2015. Collection method: clinical testing. Allele origin: germline.
Comment: The UBA1 c.1575G>A variant is not predicted to result in an amino acid change (p.=). This variant is predicted to alter splicing based on available splicing prediction programs (SpliceAI, Jaganathan et al. 2019. PubMed ID: 30661751). However, the use of computer prediction programs is not equivalent to functional evidence. To our knowledge, this variant has not been reported in the literature or in a large population database (gnomAD), indicating this variant is rare. At this time, the clinical significance of this variant is uncertain due to the absence of conclusive functional and genetic evidence.

Labcorp Genetics (formerly Invitae), Labcorp
Classification: Uncertain significance for Infantile-onset X-linked spinal muscular atrophy. Last evaluated: 2022-09-29. Review status: criteria provided, single submitter. Criteria: Invitae Variant Classification Sherloc (09022015). Collection method: clinical testing. Allele origin: germline.
Comment: Variants that disrupt the consensus splice site are a relatively common cause of aberrant splicing (PMID: 17576681, 9536098). Algorithms developed to predict the effect of sequence changes on RNA splicing suggest that this variant may create or strengthen a splice site. This sequence change affects codon 525 of the UBA1 mRNA. It is a 'silent' change, meaning that it does not change the encoded amino acid sequence of the UBA1 protein. This variant also falls at the last nucleotide of exon 14, which is part of the consensus splice site for this exon. This variant is not present in population databases (gnomAD no frequency). This variant has not been reported in the literature in individuals affected with UBA1-related conditions. In summary, the available evidence is currently insufficient to determine the role of this variant in disease. Therefore, it has been classified as a Variant of Uncertain Significance.

Dr. Peter K. Rogan Lab, Western University
No classification provided (evidence only). Condition: Thyroid cancer, nonmedullary, 1. Review status: no classification provided. Collection method: in vitro. Allele origin: not applicable. Functional consequence: retained intron. Not counted in ClinVar's aggregate classification.

Dr. Peter K. Rogan Lab, Western University
No classification provided (evidence only). Condition: Thyroid cancer, nonmedullary, 1. Review status: no classification provided. Collection method: in vitro. Allele origin: not applicable. Functional consequence: skipped exon. Not counted in ClinVar's aggregate classification.

Dr. Peter K. Rogan Lab, Western University
No classification provided (evidence only). Condition: Nonpapillary renal cell carcinoma. Review status: no classification provided. Collection method: in vitro. Allele origin: not applicable. Functional consequence: retained intron. Not counted in ClinVar's aggregate classification.

Literature cited by the submitters: PubMed 17576681 (cited by Labcorp Genetics (formerly Invitae), Labcorp); PubMed 9536098 (cited by Labcorp Genetics (formerly Invitae), Labcorp).

NM_003334.4(UBA1):c.1575G>A (p.Thr525=)

Gene: UBA1 (ubiquitin like modifier activating enzyme 1; plus strand). Cytogenetic location: Xp11.3.
Variant type: single nucleotide variant.
Coding change: c.1575G>A on transcript NM_003334.4 (MANE Select); coding-DNA position 1575, G replaced by A.
Protein change: p.Thr525=; no amino-acid change (threonine 525 retained).
Molecular consequence: synonymous variant.
Genome position (GRCh38, 1-based): chrX:47,203,696, G>A. VCF-style: chrX-47203696-G-A. GRCh37 (hg19) VCF-style: chrX-47063095-G-A.
Other names: c.1575G>A, p.Thr525= (NM_153280.3); c.1575G>A (NM_003334.3).
Identifiers: ClinVar variation 2163085 (VCV002163085.6), dbSNP rs1936511042, ClinGen allele CA515981901.